The following is an entry in ClinVar:

NM_005560.6(LAMA5):c.6255C>T (p.Ser2085=)

Gene: LAMA5 (laminin subunit alpha 5; minus strand). Cytogenetic location: 20q13.33.
Variant type: single nucleotide variant.
Coding change: c.6255C>T on transcript NM_005560.6 (MANE Select); coding-DNA position 6255, C replaced by T.
Protein change: p.Ser2085=; no amino-acid change (serine 2085 retained).
Molecular consequence: synonymous variant.
Genome position (GRCh38, 1-based): chr20:62,322,360, G>A on the plus strand (C>T on the coding strand, the complement: LAMA5 is on the minus strand). VCF-style: chr20-62322360-G-A. GRCh37 (hg19) VCF-style: chr20-60897416-G-A.
Identifiers: ClinVar variation 1599265 (VCV001599265.34), dbSNP rs374792052, ClinGen allele CA9941829.

ClinVar aggregate classification (germline): Benign/Likely benign. Review status: criteria provided, multiple submitters, no conflicts (2 of 4 stars). 3 submissions from 3 submitters: Benign (1); Likely benign (2). Last evaluated 2026-01-06.

Allele frequency attached by ClinVar (database versions not stated): ESP Exome Variant Server 0.00008; TOPMed 0.00023; gnomAD 0.00026 and 0.00036; 1000 Genomes Project 30x 0.00062; 1000 Genomes Project 0.00080; gnomAD exomes 0.00081; ExAC 0.00133.
gnomAD v4.1: 948 of 1,592,772 alleles (0.06%); highest among the groups gnomAD compares: South Asian, 0.41%; 3 homozygotes.

Submissions (3):

Labcorp Genetics (formerly Invitae), Labcorp
Classification: Benign. Last evaluated: 2026-01-06. Review status: criteria provided, single submitter. Criteria: Invitae Variant Classification Sherloc (09022015). Collection method: clinical testing. Allele origin: germline.

CeGaT Center for Human Genetics Tuebingen
Classification: Likely benign. Last evaluated: 2025-11-01. Review status: criteria provided, single submitter. Criteria: CeGaT Center For Human Genetics Tuebingen Variant Classification Criteria Version 2. Collection method: clinical testing. Allele origin: germline. Affected: yes. Observed: 2 variant alleles.
Comment: LAMA5: BP4, BP7

Blueprint Genetics
Classification: Likely benign. Last evaluated: 2024-10-24. Review status: criteria provided, single submitter. Criteria: ACMG Guidelines, 2015. Collection method: clinical testing. Allele origin: germline.